The following is an entry in ClinVar:

NM_145046.5(CALR3):c.973G>A (p.Ala325Thr)

Gene: CALR3 (calreticulin 3; minus strand). Cytogenetic location: 19p13.11.
Variant type: single nucleotide variant.
Coding change: c.973G>A on transcript NM_145046.5 (MANE Select); coding-DNA position 973, G replaced by A.
Protein change: p.Ala325Thr; replaces alanine 325 with threonine.
Molecular consequence: missense variant.
Genome position (GRCh38, 1-based): chr19:16,480,652, C>T on the plus strand (G>A on the coding strand, the complement: CALR3 is on the minus strand). VCF-style: chr19-16480652-C-T. GRCh37 (hg19) VCF-style: chr19-16591463-C-T.
Other names: short protein forms A325T.
Identifiers: ClinVar variation 2728251 (VCV002728251.3), dbSNP rs1398000694, ClinGen allele CA404606542.

ClinVar aggregate classification (germline): Uncertain significance (1 of 4 stars; one submission).

Conditions:
Hypertrophic cardiomyopathy 19. Also called: Familial hypertrophic cardiomyopathy 19. Identifiers: MedGen CN077603, MONDO:0013476.

Allele frequency attached by ClinVar (database versions not stated): gnomAD 0.00002; TOPMed 0.00001; gnomAD exomes 0.00002.
gnomAD v4.1: 34 of 1,613,820 alleles (0.0021%); highest among the groups gnomAD compares: Middle Eastern, 0.016%; no homozygotes.

Submission:

Labcorp Genetics (formerly Invitae), Labcorp
Classification: Uncertain significance for Hypertrophic cardiomyopathy 19. Last evaluated: 2025-06-01. Review status: criteria provided, single submitter. Criteria: Invitae Variant Classification Sherloc (09022015). Collection method: clinical testing. Allele origin: germline.
Comment: This sequence change replaces alanine, which is neutral and non-polar, with threonine, which is neutral and polar, at codon 325 of the CALR3 protein (p.Ala325Thr). This variant is present in population databases (no rsID available, gnomAD 0.004%). This variant has not been reported in the literature in individuals affected with CALR3-related conditions. ClinVar contains an entry for this variant (Variation ID: 2728251). Invitae Evidence Modeling of protein sequence and biophysical properties (such as structural, functional, and spatial information, amino acid conservation, physicochemical variation, residue mobility, and thermodynamic stability) indicates that this missense variant is expected to disrupt CALR3 protein function with a positive predictive value of 80%. In summary, the available evidence is currently insufficient to determine the role of this variant in disease. Therefore, it has been classified as a Variant of Uncertain Significance.